The following is an entry in ClinVar:

NM_000540.3(RYR1):c.10749GGA[1] (p.Glu3584del)

Gene: RYR1 (ryanodine receptor 1; plus strand). Cytogenetic location: 19q13.2.
Variant type: Microsatellite.
Coding change: c.10749GGA[1] on transcript NM_000540.3 (MANE Select); one copy of the 3-base unit GGA starting at c.10749; the reference has two copies in a row; one copy, 3 bases deleted; also written c.10752_10754del.
Protein change: p.Glu3584del; deletes glutamic acid 3584.
Molecular consequence: inframe deletion.
Genome position (GRCh38, 1-based): chr19:38,527,712-38,527,714, GGA deleted; deleting any 3 consecutive bases within chr19:38,527,707-38,527,714 gives the same sequence; the position shown is the placement nearest the transcript's 3' end. VCF-style (leftmost placement, unchanged base first): chr19-38527706-CGAG-C. GRCh37 (hg19) VCF-style: chr19-39018346-CGAG-C.
Other names: c.10734GGA[1], p.Glu3579del (NM_001042723.2); c.10752_10754del (NM_000540.3); short protein forms E3579del, E3584del.
Identifiers: ClinVar variation 1709183 (VCV001709183.5), dbSNP rs2514489108, ClinGen allele CA2576771698.
Genomic context (GRCh38, chr19:38,527,706, plus strand): 5'-GGTCGAAGGCTCCCCGTCTCTGCGCTGGCAGATGGCTCTGTACCGGGGCGTCCCGGGTCG[CGAG>C]GAGGACGCCGATGACCCCGAGAAAATCGTGCGCAGAGTCCAGGAAGTGTCAGCCGTGCTC-3'

ClinVar aggregate classification (germline): Uncertain significance. Review status: criteria provided, multiple submitters, no conflicts (2 of 4 stars). 2 submissions from 2 submitters: Uncertain significance (2). Last evaluated 2025-02-03.

Conditions:
RYR1-related disorder. Also called: RYR1-related condition; RYR1-related disorders. Identifiers: MedGen CN239331.
Central core myopathy (CMYO1A). Also called: CONGENITAL MYOPATHY 1A, AUTOSOMAL DOMINANT, WITH SUSCEPTIBILITY TO MALIGNANT HYPERTHERMIA; Central core disease; Myopathy, central fibrillar. Identifiers: Orphanet 597, MedGen C5830701, MONDO:0007294, OMIM 117000.

Submissions (2):

Labcorp Genetics (formerly Invitae), Labcorp
Classification: Uncertain significance for RYR1-related disorder. Last evaluated: 2025-02-03. Review status: criteria provided, single submitter. Criteria: Invitae Variant Classification Sherloc (09022015). Collection method: clinical testing. Allele origin: germline.
Comment: This variant, c.10752_10754del, results in the deletion of 1 amino acid(s) of the RYR1 protein (p.Glu3584del), but otherwise preserves the integrity of the reading frame. This variant is not present in population databases (gnomAD no frequency). This variant has not been reported in the literature in individuals affected with RYR1-related conditions. Experimental studies and prediction algorithms are not available or were not evaluated, and the functional significance of this variant is currently unknown. In summary, the available evidence is currently insufficient to determine the role of this variant in disease. Therefore, it has been classified as a Variant of Uncertain Significance.

MGZ Medical Genetics Center
Classification: Uncertain significance for Central core myopathy. Last evaluated: 2022-02-16. Review status: criteria provided, single submitter. Criteria: ACMG Guidelines, 2015. Collection method: clinical testing. Allele origin: germline. Affected: yes. Observed: 1 variant allele.
Comment: ACMG criteria applied: PM2_SUP, PM4